The following is an entry in ClinVar:

ClinVar aggregate classification (germline): Uncertain significance (1 of 4 stars; one submission).

Allele frequency attached by ClinVar (database versions not stated): gnomAD exomes below 0.00001; gnomAD 0.00001; TOPMed 0.00001.
gnomAD v4.1: 7 of 1,606,778 alleles (0.00044%); highest among the groups gnomAD compares: Non-Finnish European, 0.0006%; no homozygotes.

Submission:

Labcorp Genetics (formerly Invitae), Labcorp
Classification: Uncertain significance. Last evaluated: 2022-05-07. Review status: criteria provided, single submitter. Criteria: Invitae Variant Classification Sherloc (09022015). Collection method: clinical testing. Allele origin: germline.
Comment: This variant is present in population databases (no rsID available, gnomAD 0.002%). This sequence change replaces glutamine, which is neutral and polar, with leucine, which is neutral and non-polar, at codon 1528 of the MACF1 protein (p.Gln1528Leu). This variant has not been reported in the literature in individuals affected with MACF1-related conditions. In summary, the available evidence is currently insufficient to determine the role of this variant in disease. Therefore, it has been classified as a Variant of Uncertain Significance. Algorithms developed to predict the effect of missense changes on protein structure and function are either unavailable or do not agree on the potential impact of this missense change (SIFT: "Deleterious"; PolyPhen-2: "Benign"; Align-GVGD: "Class C0").

NM_001394062.1(MACF1):c.4568A>T (p.Gln1523Leu)

Gene: MACF1 (microtubule actin crosslinking factor 1; plus strand). Cytogenetic location: 1p34.3.
Variant type: single nucleotide variant.
Coding change: c.4568A>T on transcript NM_001394062.1 (MANE Select); coding-DNA position 4568, A replaced by T.
Protein change: p.Gln1523Leu; replaces glutamine 1523 with leucine.
Molecular consequence: missense variant.
Genome position (GRCh38, 1-based): chr1:39,327,307, A>T. VCF-style: chr1-39327307-A-T. GRCh37 (hg19) VCF-style: chr1-39792979-A-T.
Other names: c.4583A>T, p.Gln1528Leu (NM_012090.5); short protein forms Q1528L, Q1523L.
Identifiers: ClinVar variation 2135190 (VCV002135190.4), dbSNP rs1007267379, ClinGen allele CA20903035.